The following is an entry in ClinVar:

ClinVar aggregate classification (germline): Uncertain significance. Review status: criteria provided, multiple submitters, no conflicts (2 of 4 stars). 5 submissions from 5 submitters: Uncertain significance (5). Last evaluated 2025-08-27.

Conditions:
Combined oxidative phosphorylation defect type 8. Also called: CARDIOMYOPATHY, HYPERTROPHIC MITOCHONDRIAL, FATAL INFANTILE. Identifiers: Orphanet 319504, MedGen C4518839, MONDO:0013570, OMIM 614096.
Inborn genetic diseases. Identifiers: MedGen C0950123, MeSH D030342.

Allele frequency attached by ClinVar (database versions not stated): ExAC 0.00007; gnomAD exomes 0.00008 and 0.00015; TOPMed 0.00008; gnomAD 0.00013 and 0.00014; ESP Exome Variant Server 0.00015.
gnomAD v4.1: 240 of 1,613,834 alleles (0.015%); highest among the groups gnomAD compares: Non-Finnish European, 0.02%; no homozygotes.

Submissions (5):

Ambry Genetics
Classification: Uncertain significance for Inborn genetic diseases. Last evaluated: 2025-08-27. Review status: criteria provided, single submitter. Criteria: Ambry Variant Classification Scheme 2023. Collection method: clinical testing. Allele origin: germline.

Blueprint Genetics
Classification: Uncertain significance. Last evaluated: 2024-07-02. Review status: criteria provided, single submitter. Criteria: ACMG Guidelines, 2015. Collection method: clinical testing. Allele origin: germline.

CeGaT Center for Human Genetics Tuebingen
Classification: Uncertain significance. Last evaluated: 2024-01-01. Review status: criteria provided, single submitter. Criteria: CeGaT Center For Human Genetics Tuebingen Variant Classification Criteria Version 2. Collection method: clinical testing. Allele origin: germline. Affected: yes. Observed: 1 variant allele.
Comment: AARS2: PM2, BP4

Illumina Laboratory Services, Illumina
Classification: Uncertain significance for Combined oxidative phosphorylation defect type 8. Last evaluated: 2018-01-13. Review status: criteria provided, single submitter. Criteria: ICSL Variant Classification Criteria 13 December 2019. Collection method: clinical testing. Allele origin: germline.

GeneDx
Classification: Uncertain significance. Last evaluated: 2017-07-07. Review status: criteria provided, single submitter. Criteria: GeneDx Variant Classification (06012015). Collection method: clinical testing. Allele origin: germline. Affected: yes.
Comment: A variant of unknown significance has been identified in the AARS2 gene. The L851V missense substitution has not been published as pathogenic, nor has it been reported as a benign polymorphism to our knowledge. The amino acid substitution is conservative in that both Leucine and Valine are uncharged, non-polar amino acid residues. L851V alters a position that is highly conserved in the AARS2 protein. However, in-silico algorithms are not consistent in their predictions of whether L851V is damaging to the AARS2 protein. Therefore, based on the currently available information, it is unclear whether L851V is a pathogenic variant or a rare benign variant.

NM_020745.4(AARS2):c.2551C>G (p.Leu851Val)

Gene: AARS2 (alanyl-tRNA synthetase 2, mitochondrial; minus strand). Cytogenetic location: 6p21.1.
Variant type: single nucleotide variant.
Coding change: c.2551C>G on transcript NM_020745.4 (MANE Select); coding-DNA position 2551, C replaced by G.
Protein change: p.Leu851Val; replaces leucine 851 with valine.
Molecular consequence: missense variant.
Genome position (GRCh38, 1-based): chr6:44,302,107, G>C on the plus strand (C>G on the coding strand, the complement: AARS2 is on the minus strand). VCF-style: chr6-44302107-G-C. GRCh37 (hg19) VCF-style: chr6-44269844-G-C.
Other names: p.L851V:CTG>GTG; short protein forms L851V.
Identifiers: ClinVar variation 213959 (VCV000213959.32), dbSNP rs376103315, ClinGen allele CA323721.